The following is an entry in ClinVar:

ClinVar aggregate classification (germline): Pathogenic (1 of 4 stars; one submission).

Conditions:
Ciliopathy. Also called: Ciliopathies. Identifiers: Orphanet 363250, MedGen C4277690, MONDO:0005308, MeSH D000072661.

Submission:

Myriad Genetics, Inc.
Classification: Pathogenic for Ciliopathy. Last evaluated: 2025-11-13. Review status: criteria provided, single submitter. Criteria: Myriad Autosomal Dominant, Autosomal Recessive and X-Linked Classification Criteria (2023). Collection method: clinical testing. Allele origin: unknown.
Comment: NM_017777.3(MKS1):c.279C>A(Y93*) is expected to be pathogenic in the context of MKS1-related disorders. This variant is predicted to lead to an abnormal or absent protein product due to the creation of a premature termination codon in MKS1, a gene where loss-of-function variants are known to be pathogenic. Please note: this variant was assessed in the context of healthy population screening.

NM_017777.4(MKS1):c.279C>A (p.Tyr93Ter)

Gene: MKS1 (MKS transition zone complex subunit 1; minus strand). Cytogenetic location: 17q22.
Variant type: single nucleotide variant.
Coding change: c.279C>A on transcript NM_017777.4 (MANE Select); coding-DNA position 279, C replaced by A.
Protein change: p.Tyr93Ter; replaces tyrosine 93 with a stop codon.
Molecular consequence: nonsense. On other transcripts: 5 prime UTR variant (1).
Genome position (GRCh38, 1-based): chr17:58,216,226, G>T on the plus strand (C>A on the coding strand, the complement: MKS1 is on the minus strand). VCF-style: chr17-58216226-G-T. GRCh37 (hg19) VCF-style: chr17-56293587-G-T.
Other names: c.-233C>A (NM_001321268.2); c.279C>A, p.Tyr93Ter (NM_001321269.2, NM_001330397.2, NM_001411113.1); short protein forms Y93*.
Identifiers: ClinVar variation 5015209 (VCV005015209.1).